The following is an entry in ClinVar:

ClinVar aggregate classification (germline): Uncertain significance. Review status: criteria provided, multiple submitters, no conflicts (2 of 4 stars). 2 submissions from 2 submitters: Uncertain significance (2). Last evaluated 2025-10-30.

Allele frequency attached by ClinVar (database versions not stated): gnomAD exomes below 0.00001; ExAC 0.00001.
gnomAD v4.1: 1 of 1,614,052 alleles (0.000062%); highest among the groups gnomAD compares: Non-Finnish European, 0.000085%; no homozygotes.

Submissions (2):

Ambry Genetics
Classification: Uncertain significance. Last evaluated: 2025-10-30. Review status: criteria provided, single submitter. Criteria: Ambry Variant Classification Scheme 2023. Collection method: clinical testing. Allele origin: germline.

Labcorp Genetics (formerly Invitae), Labcorp
Classification: Uncertain significance. Last evaluated: 2022-12-30. Review status: criteria provided, single submitter. Criteria: Invitae Variant Classification Sherloc (09022015). Collection method: clinical testing. Allele origin: germline.
Comment: Algorithms developed to predict the effect of missense changes on protein structure and function (SIFT, PolyPhen-2, Align-GVGD) all suggest that this variant is likely to be tolerated. This variant has not been reported in the literature in individuals affected with EIF2AK1-related conditions. This variant is present in population databases (rs759205881, gnomAD 0.0009%). This sequence change replaces asparagine, which is neutral and polar, with serine, which is neutral and polar, at codon 365 of the EIF2AK1 protein (p.Asn365Ser). In summary, the available evidence is currently insufficient to determine the role of this variant in disease. Therefore, it has been classified as a Variant of Uncertain Significance.

NM_014413.4(EIF2AK1):c.1094A>G (p.Asn365Ser)

Gene: EIF2AK1 (eukaryotic translation initiation factor 2 alpha kinase 1; minus strand). Cytogenetic location: 7p22.1.
Variant type: single nucleotide variant.
Coding change: c.1094A>G on transcript NM_014413.4 (MANE Select); coding-DNA position 1094, A replaced by G.
Protein change: p.Asn365Ser; replaces asparagine 365 with serine.
Molecular consequence: missense variant.
Genome position (GRCh38, 1-based): chr7:6,040,917, T>C on the plus strand (A>G on the coding strand, the complement: EIF2AK1 is on the minus strand). VCF-style: chr7-6040917-T-C. GRCh37 (hg19) VCF-style: chr7-6080548-T-C.
Other names: c.1091A>G, p.Asn364Ser (NM_001134335.2); c.1094A>G (NM_014413.3); short protein forms N365S, N364S.
Identifiers: ClinVar variation 2117876 (VCV002117876.5), dbSNP rs759205881, ClinGen allele CA4150973.
Genomic context (GRCh38, chr7:6,040,917, plus strand): 5'-TGGCCAAATTAGGAGGGTCTGGGAAAGTAATCTACCTCTGTCTGACCCAAAAAGTTGACA[T>C]TTTCTTCGGAAGATTCTTCGGTGGATGTGAAACTCTCCTCTAGGTGGGAATTACGCCTGA-3'
Protein context (NP_055228.2, residues 355-375): FTSTEESSEE[Asn365Ser]VNFLGQTEAQ